The following is an entry in ClinVar:

ClinVar aggregate classification (germline): Likely benign. Review status: criteria provided, multiple submitters, no conflicts (2 of 4 stars). 2 submissions from 2 submitters: Likely benign (2). Last evaluated 2019-12-19.

Conditions:
Farber lipogranulomatosis (FRBRL). Also called: AC DEFICIENCY; ACID CERAMIDASE DEFICIENCY; CERAMIDASE DEFICIENCY; N-LAURYLSPHINGOSINE DEACYLASE DEFICIENCY; Farber's lipogranulomatosis; Farber's disease. Identifiers: Orphanet 333, MedGen C0268255, MONDO:0009218, OMIM 228000.

Allele frequency attached by ClinVar (database versions not stated): gnomAD exomes 0.00067; ExAC 0.00084; 1000 Genomes Project 30x 0.00172; 1000 Genomes Project 0.00180; gnomAD 0.00184 and 0.00199; ESP Exome Variant Server 0.00209; TOPMed 0.00227.
gnomAD v4.1: 591 of 1,596,722 alleles (0.037%); highest among the groups gnomAD compares: African/African-American, 0.66%; 3 homozygotes.

Submissions (2):

GeneDx
Classification: Likely benign. Last evaluated: 2019-12-19. Review status: criteria provided, single submitter. Criteria: GeneDx Variant Classification Process June 2021. Collection method: clinical testing. Allele origin: germline. Affected: yes.

Illumina Laboratory Services, Illumina
Classification: Likely benign for Farber lipogranulomatosis. Last evaluated: 2018-01-13. Review status: criteria provided, single submitter. Criteria: ICSL Variant Classification Criteria 13 December 2019. Collection method: clinical testing. Allele origin: germline.
Comment: This variant was observed in the ICSL laboratory as part of a predisposition screen in an ostensibly healthy population. It had not been previously curated by ICSL or reported in the Human Gene Mutation Database (HGMD: prior to June 1st, 2018), and was therefore a candidate for classification through an automated scoring system. Utilizing variant allele frequency, disease prevalence and penetrance estimates, and inheritance mode, an automated score was calculated to assess if this variant is too frequent to cause the disease. Based on the score and internal cut-off values, a variant classified as likely benign is not then subjected to further curation. The score for this variant resulted in a classification of likely benign for this disease.

NM_177924.5(ASAH1):c.-40C>T

Genes: ASAH1 (N-acylsphingosine amidohydrolase 1; minus strand), LOC129999940 (ATAC-STARR-seq lymphoblastoid silent region 18966; plus strand). Cytogenetic location: 8p22.
Variant type: single nucleotide variant.
Coding change: c.-40C>T on transcript NM_177924.5 (MANE Select); 40 bases upstream of the start codon, C replaced by T.
Molecular consequence: 5 prime UTR variant. On other transcripts: intron variant (2).
Genome position (GRCh38, 1-based): chr8:18,084,098, G>A on the plus strand (C>T on the coding strand, the complement: ASAH1 is on the minus strand). VCF-style: chr8-18084098-G-A. GRCh37 (hg19) VCF-style: chr8-17941607-G-A.
Other names: c.126+578C>T (NM_001127505.3, NM_004315.6).
Identifiers: ClinVar variation 908565 (VCV000908565.7), dbSNP rs200994787, ClinGen allele CA4651171.